The following is an entry in ClinVar:

NM_031889.3(ENAM):c.*1829G>A

Gene: ENAM (enamelin; plus strand). Cytogenetic location: 4q13.3.
Variant type: single nucleotide variant.
Coding change: c.*1829G>A on transcript NM_031889.3 (MANE Select); 1829 bases downstream of the stop codon, G replaced by A.
Molecular consequence: 3 prime UTR variant.
Genome position (GRCh38, 1-based): chr4:70,646,684, G>A. VCF-style: chr4-70646684-G-A. GRCh37 (hg19) VCF-style: chr4-71512401-G-A.
Other names: c.*1829G>A (NM_001368133.1).
Identifiers: ClinVar variation 349528 (VCV000349528.6), dbSNP rs76219814, ClinGen allele CA10621640.

ClinVar aggregate classification (germline): Benign. Review status: criteria provided, multiple submitters, no conflicts (2 of 4 stars). 2 submissions from 2 submitters: Benign (2). Last evaluated 2018-01-13.

Conditions:
Amelogenesis imperfecta (AI). Also called: Congenital enamel hypoplasia. Identifiers: Orphanet 88661, MedGen C0002452, MONDO:0019507, HP:0000705.

Allele frequency attached by ClinVar (database versions not stated): gnomAD 0.09571 and 0.09902; TOPMed 0.10366; 1000 Genomes Project 30x 0.10415; 1000 Genomes Project 0.10423.

Submissions (2):

Illumina Laboratory Services, Illumina
Classification: Benign for Amelogenesis imperfecta. Last evaluated: 2018-01-13. Review status: criteria provided, single submitter. Criteria: ICSL Variant Classification Criteria 13 December 2019. Collection method: clinical testing. Allele origin: germline.
Comment: This variant was observed in the ICSL laboratory as part of a predisposition screen in an ostensibly healthy population. It had not been previously curated by ICSL or reported in the Human Gene Mutation Database (HGMD: prior to June 1st, 2018), and was therefore a candidate for classification through an automated scoring system. Utilizing variant allele frequency, disease prevalence and penetrance estimates, and inheritance mode, an automated score was calculated to assess if this variant is too frequent to cause the disease. Based on the score and internal cut-off values, a variant classified as benign is not then subjected to further curation. The score for this variant resulted in a classification of benign for this disease.

Breakthrough Genomics
Classification: Benign. Review status: criteria provided, single submitter. Criteria: ACMG Guidelines, 2015. Collection method: not provided. Allele origin: germline. Inheritance: Autosomal recessive inheritance. Affected: yes.